The following is an entry in ClinVar:

ClinVar aggregate classification (germline): Pathogenic/Likely pathogenic. Review status: criteria provided, multiple submitters, no conflicts (2 of 4 stars). 3 submissions from 3 submitters: Pathogenic (1); Likely pathogenic (2). Last evaluated 2025-01-02.

Conditions:
Spermatogenic failure 25. Identifiers: MedGen C4693765, MONDO:0054729, OMIM 617960.

Allele frequency attached by ClinVar (database versions not stated): ExAC 0.00009; gnomAD 0.00013; TOPMed 0.00017; ESP Exome Variant Server 0.00023.
gnomAD v4.1: 451 of 1,613,032 alleles (0.028%); highest among the groups gnomAD compares: East Asian, 0.062%; 1 homozygote.

Submissions (3):

Dasa
Classification: Likely pathogenic. Last evaluated: 2025-01-02. Review status: criteria provided, single submitter. Criteria: DASA Assertion Criteria. Collection method: clinical testing. Allele origin: germline.
Comment: NM_001350162.2(TEX15):c.3958C>T (p.Arg1320*) is a nonsense variant in TEX15 predicted to introduce a premature termination codon and is predicted to result in an absent or altered protein product. Loss of function is an established disease mechanism for TEX15-associated disorders. Also, this variant is rare in population databases. Based on the currently available evidence, this variant is classified as likely pathogenic.

CeGaT Center for Human Genetics Tuebingen
Classification: Pathogenic. Last evaluated: 2024-06-01. Review status: criteria provided, single submitter. Criteria: CeGaT Center For Human Genetics Tuebingen Variant Classification Criteria Version 2. Collection method: clinical testing. Allele origin: germline. Affected: yes. Observed: 1 variant allele.
Comment: TEX15: PVS1, PM2

Yatsenko Laboratory, Magee-Womens Research Institute, University of Pittsburgh
Classification: Likely pathogenic for Spermatogenic failure 25. Last evaluated: 2022-12-30. Review status: criteria provided, single submitter. Criteria: ACMG Guidelines, 2015. Collection method: research. Allele origin: unknown. Affected: yes.

NM_001350162.2(TEX15):c.3958C>T (p.Arg1320Ter)

Gene: TEX15 (testis expressed 15, meiosis and synapsis associated; minus strand). Cytogenetic location: 8p12.
Variant type: single nucleotide variant.
Coding change: c.3958C>T on transcript NM_001350162.2 (MANE Select); coding-DNA position 3958, C replaced by T.
Protein change: p.Arg1320Ter; replaces arginine 1320 with a stop codon.
Molecular consequence: nonsense.
Genome position (GRCh38, 1-based): chr8:30,846,209, G>A on the plus strand (C>T on the coding strand, the complement: TEX15 is on the minus strand). VCF-style: chr8-30846209-G-A. GRCh37 (hg19) VCF-style: chr8-30703725-G-A.
Other names: c.2809C>T, p.Arg937Ter (NM_031271.3); short protein forms R1320*, R937*.
Identifiers: ClinVar variation 2442312 (VCV002442312.21), dbSNP rs141978088, ClinGen allele CA4703142.